The following is an entry in ClinVar:

NM_005604.4(POU3F2):c.723C>T (p.Pro241=)

Gene: POU3F2 (POU class 3 homeobox 2; plus strand). Cytogenetic location: 6q16.1.
Variant type: single nucleotide variant.
Coding change: c.723C>T on transcript NM_005604.4 (MANE Select); coding-DNA position 723, C replaced by T.
Protein change: p.Pro241=; no amino-acid change (proline 241 retained).
Molecular consequence: synonymous variant.
Genome position (GRCh38, 1-based): chr6:98,835,596, C>T. VCF-style: chr6-98835596-C-T. GRCh37 (hg19) VCF-style: chr6-99283472-C-T.
Identifiers: ClinVar variation 4084402 (VCV004084402.8).

ClinVar aggregate classification (germline): Likely benign (1 of 4 stars; one submission).

Submission:

CeGaT Center for Human Genetics Tuebingen
Classification: Likely benign. Last evaluated: 2025-09-01. Review status: criteria provided, single submitter. Criteria: CeGaT Center For Human Genetics Tuebingen Variant Classification Criteria Version 2. Collection method: clinical testing. Allele origin: germline. Affected: yes. Observed: 1 variant allele.
Comment: POU3F2: BP4, BP7